The following is an entry in ClinVar:

ClinVar aggregate classification (germline): Uncertain significance (1 of 4 stars; one submission).

Conditions:
Hereditary cancer-predisposing syndrome. Also called: Neoplastic Syndromes, Hereditary; Tumor predisposition; Hereditary Cancer Syndrome; Hereditary neoplastic syndrome. Identifiers: Orphanet 140162, MedGen C0027672, MeSH D009386, MONDO:0015356.

Submission:

Ambry Genetics
Classification: Uncertain significance for Hereditary cancer-predisposing syndrome. Last evaluated: 2025-11-25. Review status: criteria provided, single submitter. Criteria: Ambry Variant Classification Scheme 2023. Collection method: clinical testing. Allele origin: germline.
Comment: The p.Q491P variant (also known as c.1472A>C), located in coding exon 9 of the BRIP1 gene, results from an A to C substitution at nucleotide position 1472. The glutamine at codon 491 is replaced by proline, an amino acid with similar properties. This amino acid position is conserved. In addition, the in silico prediction for this alteration is inconclusive. Based on the available evidence, the clinical significance of this variant remains unclear.

NM_032043.3(BRIP1):c.1472A>C (p.Gln491Pro)

Gene: BRIP1 (BRCA1 interacting DNA helicase 1; minus strand). Cytogenetic location: 17q23.2.
Variant type: single nucleotide variant.
Coding change: c.1472A>C on transcript NM_032043.3 (MANE Select); coding-DNA position 1472, A replaced by C.
Protein change: p.Gln491Pro; replaces glutamine 491 with proline.
Molecular consequence: missense variant.
Genome position (GRCh38, 1-based): chr17:61,793,598, T>G on the plus strand (A>C on the coding strand, the complement: BRIP1 is on the minus strand). VCF-style: chr17-61793598-T-G. GRCh37 (hg19) VCF-style: chr17-59870959-T-G.
Other names: short protein forms Q491P.
Identifiers: ClinVar variation 4631167 (VCV004631167.1).